The following is an entry in ClinVar:

NM_001048174.2(MUTYH):c.829C>A (p.Leu277Met)

Gene: MUTYH (mutY DNA glycosylase; minus strand). Cytogenetic location: 1p34.1.
Variant type: single nucleotide variant.
Coding change: c.829C>A on transcript NM_001048174.2 (MANE Select); coding-DNA position 829, C replaced by A.
Protein change: p.Leu277Met; replaces leucine 277 with methionine.
Molecular consequence: missense variant. On other transcripts: non-coding transcript variant (2).
Genome position (GRCh38, 1-based): chr1:45,332,186, G>T on the plus strand (C>A on the coding strand, the complement: MUTYH is on the minus strand). VCF-style: chr1-45332186-G-T. GRCh37 (hg19) VCF-style: chr1-45797858-G-T.
Other names: c.829C>A, p.Leu277Met (NM_001407072.1, NM_001407073.1, NM_001407081.1 and 6 more transcripts); c.745C>A, p.Leu249Met (NM_001407075.1); c.862C>A, p.Leu288Met (NM_001407077.1, NM_001293191.2, NM_001407069.1); c.832C>A, p.Leu278Met (NM_001407078.1, NM_001048172.2, NM_001407071.1 and 1 more transcripts); c.790C>A, p.Leu264Met (NM_001407079.1); c.787C>A, p.Leu263Met (NM_001407080.1); c.484C>A, p.Leu162Met (NM_001407082.1, NM_001350650.2, NM_001350651.2); c.871C>A, p.Leu291Met (NM_001407083.1, NM_001407085.1); and 5 more; short protein forms L162M, L263M, L278M, L292M, L185M, L284M, L305M, L277M.
Identifiers: ClinVar variation 1765930 (VCV001765930.5), dbSNP rs2524071268, ClinGen allele CA340134346.
Genomic context (GRCh38, chr1:45,332,186, plus strand): 5'-TCCTTAGGACTTCTCACTGCCCCTTCCCCAGTAGGCTTACTCTCTGGCGTGCCCGGCACA[G>T]GCTCTCCACAGGGCACTGGCTGCACAGTGGGCGCTGTGGGGTACACACTGTGGCCCCTAG-3'
Protein context (NP_001041639.1, residues 267-287): PLCSQCPVES[Leu277Met]CRARQRVEQE

ClinVar aggregate classification (germline): Conflicting classifications of pathogenicity. Review status: criteria provided, conflicting classifications (1 of 4 stars). 2 submissions from 2 submitters: Uncertain significance (1); Likely benign (1). Last evaluated 2025-11-03.

Conditions:
Hereditary cancer-predisposing syndrome. Also called: Hereditary Cancer Syndrome; Hereditary neoplastic syndrome; Neoplastic Syndromes, Hereditary; Tumor predisposition. Identifiers: Orphanet 140162, MedGen C0027672, MeSH D009386, MONDO:0015356.
Familial adenomatous polyposis 2. Also called: MUTYH-associated polyposis; MUTYH-related attenuated familial adenomatous polyposis; FAP type 2; Adenomas, multiple colorectal; MYH-associated polyposis; MUTYH Polyposis. Identifiers: Orphanet 220460, Orphanet 247798, MedGen C3272841, MONDO:0012041, OMIM 608456.

Allele frequency attached by ClinVar (database versions not stated): gnomAD exomes below 0.00001.
gnomAD v4.1: 2 of 1,614,214 alleles (0.00012%); highest among the groups gnomAD compares: South Asian, 0.0022%; no homozygotes.

Submissions (2):

Labcorp Genetics (formerly Invitae), Labcorp
Classification: Uncertain significance for Familial adenomatous polyposis 2. Last evaluated: 2025-11-03. Review status: criteria provided, single submitter. Criteria: Invitae Variant Classification Sherloc (09022015). Collection method: clinical testing. Allele origin: germline.
Comment: This sequence change replaces leucine, which is neutral and non-polar, with methionine, which is neutral and non-polar, at codon 305 of the MUTYH protein (p.Leu305Met). This variant is not present in population databases (gnomAD no frequency). This variant has not been reported in the literature in individuals affected with MUTYH-related conditions. ClinVar contains an entry for this variant (Variation ID: 1765930). An algorithm developed to predict the effect of missense changes on protein structure and function (PolyPhen-2) suggests that this variant is likely to be tolerated. In summary, the available evidence is currently insufficient to determine the role of this variant in disease. Therefore, it has been classified as a Variant of Uncertain Significance.

Ambry Genetics
Classification: Likely benign for Hereditary cancer-predisposing syndrome. Last evaluated: 2025-09-09. Review status: criteria provided, single submitter. Criteria: Ambry Variant Classification Scheme 2023. Collection method: clinical testing. Allele origin: germline.